The following is an entry in ClinVar:

NM_001283.5(AP1S1):c.183-4G>A

Genes: AP1S1 (adaptor related protein complex 1 subunit sigma 1; plus strand), LOC126860125 (BRD4-independent group 4 enhancer GRCh37_chr7:100799642-100800841; plus strand). Cytogenetic location: 7q22.1.
Variant type: single nucleotide variant.
Coding change: c.183-4G>A on transcript NM_001283.5 (MANE Select); 4 bases into the intron before coding-DNA position 183, G replaced by A.
Molecular consequence: intron variant.
Genome position (GRCh38, 1-based): chr7:101,157,373, G>A. VCF-style: chr7-101157373-G-A. GRCh37 (hg19) VCF-style: chr7-100800654-G-A.
Other names: c.183-4G>A (NM_001283.3).
Identifiers: ClinVar variation 2722457 (VCV002722457.4), dbSNP rs572946160, ClinGen allele CA4405949.
Genomic context (GRCh38, chr7:101,157,373, plus strand): 5'-GAGACCAGAATGCCTGGGTCCTGAAGCAAGCTTGTAGCGATGTCTCATGCGCTCCTCTCC[G>A]CAGATATGCCAGCCTCTACTTCTGCTGCGCCATCGAGGGCCAAGACAATGAGCTCATCAC-3'

ClinVar aggregate classification (germline): Likely benign. Review status: criteria provided, multiple submitters, no conflicts (2 of 4 stars). 2 submissions from 2 submitters: Likely benign (2). Last evaluated 2026-03-11.

Conditions:
AP1S1-related disorder. Also called: AP1S1-related condition.

Allele frequency attached by ClinVar (database versions not stated): gnomAD 0.00001; TOPMed 0.00003; ExAC 0.00007; 1000 Genomes Project 0.00020; 1000 Genomes Project 30x 0.00031.
gnomAD v4.1: 7 of 1,561,950 alleles (0.00045%); highest among the groups gnomAD compares: Admixed American, 0.0038%; no homozygotes.

Submissions (2):

PreventionGenetics, part of Exact Sciences
Classification: Likely benign for AP1S1-related condition. Last evaluated: 2026-03-11. Review status: criteria provided, single submitter. Criteria: ACMG Guidelines, 2015. Collection method: clinical testing. Allele origin: germline.
Comment: This variant is classified as likely benign based on ACMG/AMP sequence variant interpretation guidelines (Richards et al. 2015 PMID: 25741868, with internal and published modifications).

Labcorp Genetics (formerly Invitae), Labcorp
Classification: Likely benign. Last evaluated: 2023-05-28. Review status: criteria provided, single submitter. Criteria: Invitae Variant Classification Sherloc (09022015). Collection method: clinical testing. Allele origin: germline.